The following is an entry in ClinVar:

NM_207346.3(TSEN54):c.315A>T (p.Ser105=)

Gene: TSEN54 (tRNA splicing endonuclease subunit 54; plus strand). Cytogenetic location: 17q25.1.
Variant type: single nucleotide variant.
Coding change: c.315A>T on transcript NM_207346.3 (MANE Select); coding-DNA position 315, A replaced by T.
Protein change: p.Ser105=; no amino-acid change (serine 105 retained).
Molecular consequence: synonymous variant.
Genome position (GRCh38, 1-based): chr17:75,517,190, A>T. VCF-style: chr17-75517190-A-T. GRCh37 (hg19) VCF-style: chr17-73513271-A-T.
Identifiers: ClinVar variation 1710781 (VCV001710781.5), dbSNP rs539437090, ClinGen allele CA294076041.
Genomic context (GRCh38, chr17:75,517,190, plus strand): 5'-CCTTGTGACACTTGCTCTGGGCCCCACACAGGGCAAATTCTGGCAGACCATGGGCTTCTC[A>T]GAGCAGGGCCGGCAGCGCCTTCACCCGGAAGAGGCCTTGTATCTTCTGGAGTGTGTAAGT-3'
Protein context (NP_997229.2, residues 95-115): AGKFWQTMGF[Ser105=]EQGRQRLHPE

ClinVar aggregate classification (germline): Conflicting classifications of pathogenicity. Review status: criteria provided, conflicting classifications (1 of 4 stars). 2 submissions from 2 submitters: Uncertain significance (1); Likely benign (1). Last evaluated 2025-12-07.

Allele frequency attached by ClinVar (database versions not stated): 1000 Genomes Project 30x 0.00016; 1000 Genomes Project 0.00020; gnomAD 0.00003; TOPMed 0.00004.

Submissions (2):

Labcorp Genetics (formerly Invitae), Labcorp
Classification: Likely benign. Last evaluated: 2025-12-07. Review status: criteria provided, single submitter. Criteria: Invitae Variant Classification Sherloc (09022015). Collection method: clinical testing. Allele origin: germline.

GeneDx
Classification: Uncertain significance. Last evaluated: 2022-04-14. Review status: criteria provided, single submitter. Criteria: GeneDx Variant Classification Process June 2021. Collection method: clinical testing. Allele origin: germline. Affected: yes.
Comment: Not observed at significant frequency in large population cohorts (gnomAD); In silico analysis, which includes splice predictors and evolutionary conservation, suggests this variant may impact gene splicing. In the absence of RNA/functional studies, the actual effect of this sequence change is unknown.; Has not been previously published as pathogenic or benign to our knowledge